The following is an entry in ClinVar:

NM_000388.4(CASR):c.574C>A (p.His192Asn)

Gene: CASR (calcium sensing receptor; plus strand). Cytogenetic location: 3q21.1.
Variant type: single nucleotide variant.
Coding change: c.574C>A on transcript NM_000388.4 (MANE Select); coding-DNA position 574, C replaced by A.
Protein change: p.His192Asn; replaces histidine 192 with asparagine.
Molecular consequence: missense variant.
Genome position (GRCh38, 1-based): chr3:122,261,609, C>A. VCF-style: chr3-122261609-C-A. GRCh37 (hg19) VCF-style: chr3-121980456-C-A.
Other names: c.574C>A, p.His192Asn (NM_001178065.2); short protein forms H192N.
Identifiers: ClinVar variation 1401735 (VCV001401735.9), dbSNP rs2107631878, ClinGen allele CA354150876.
Genomic context (GRCh38, chr3:122,261,609, plus strand): 5'-AGACTCCTCAGCAACAAGAATCAATTCAAGTCTTTCCTCCGAACCATCCCCAATGATGAG[C>A]ACCAGGCCACTGCCATGGCAGACATCATCGAGTATTTCCGCTGGAACTGGGTGGGCACAA-3'
Protein context (NP_000379.3, residues 182-202): SFLRTIPNDE[His192Asn]QATAMADIIE

ClinVar aggregate classification (germline): Uncertain significance (1 of 4 stars; one submission).

Conditions:
Familial hypocalciuric hypercalcemia (FHH). Also called: Familial benign hypercalcemia. Identifiers: Orphanet 405, MedGen C1809471, MONDO:0018458.
Autosomal dominant hypocalcemia 1 (HYPOC1). Also called: HYPOCALCEMIA, FAMILIAL. Identifiers: MedGen C3715128, MONDO:0011013, OMIM 601198.

Allele frequency attached by ClinVar (database versions not stated): gnomAD exomes below 0.00001.
gnomAD v4.1: 3 of 1,614,124 alleles (0.00019%); highest among the groups gnomAD compares: East Asian, 0.0045%; no homozygotes.

Submission:

Labcorp Genetics (formerly Invitae), Labcorp
Classification: Uncertain significance for Familial hypocalciuric hypercalcemia; Autosomal dominant hypocalcemia 1. Last evaluated: 2024-02-12. Review status: criteria provided, single submitter. Criteria: Invitae Variant Classification Sherloc (09022015). Collection method: clinical testing. Allele origin: germline.
Comment: This sequence change replaces histidine, which is basic and polar, with asparagine, which is neutral and polar, at codon 192 of the CASR protein (p.His192Asn). This variant is not present in population databases (gnomAD no frequency). This variant has not been reported in the literature in individuals affected with CASR-related conditions. ClinVar contains an entry for this variant (Variation ID: 1401735). An algorithm developed to predict the effect of missense changes on protein structure and function (PolyPhen-2) suggests that this variant is likely to be tolerated. In summary, the available evidence is currently insufficient to determine the role of this variant in disease. Therefore, it has been classified as a Variant of Uncertain Significance.